The following is an entry in ClinVar:

ClinVar aggregate classification (germline): Uncertain significance. Review status: criteria provided, multiple submitters, no conflicts (2 of 4 stars). 2 submissions from 2 submitters: Uncertain significance (2). Last evaluated 2025-03-01.

Conditions:
Mucopolysaccharidosis, MPS-III-B (MPS3B). Also called: MPS III B; MPS IIIB (Sanfilippo Syndrome Type B); Mucopolysaccharidosis type IIIB (Sanfilippo B); MUCOPOLYSACCHARIDOSIS, TYPE IIIB; N-ACETYL-ALPHA-D-GLUCOSAMINIDASE DEFICIENCY; NAGLU DEFICIENCY. Identifiers: Orphanet 79270, MedGen C0086648, MONDO:0009656, OMIM 252920.
Charcot-Marie-Tooth disease axonal type 2V. Also called: CHARCOT-MARIE-TOOTH NEUROPATHY, TYPE 2V; CHARCOT-MARIE-TOOTH DISEASE, AXONAL, AUTOSOMAL DOMINANT, TYPE 2V. Identifiers: Orphanet 447964, MedGen C5569050, MONDO:0014665, OMIM 616491.

Allele frequency attached by ClinVar (database versions not stated): gnomAD exomes below 0.00001; ExAC 0.00001; TOPMed 0.00001; gnomAD 0.00003.
gnomAD v4.1: 9 of 1,614,084 alleles (0.00056%); highest among the groups gnomAD compares: East Asian, 0.0045%; no homozygotes.

Submissions (2):

CeGaT Center for Human Genetics Tuebingen
Classification: Uncertain significance. Last evaluated: 2025-03-01. Review status: criteria provided, single submitter. Criteria: CeGaT Center For Human Genetics Tuebingen Variant Classification Criteria Version 2. Collection method: clinical testing. Allele origin: germline. Affected: yes. Observed: 1 variant allele.
Comment: NAGLU: PM2, PM3:Supporting

Labcorp Genetics (formerly Invitae), Labcorp
Classification: Uncertain significance for Charcot-Marie-Tooth disease axonal type 2V; Mucopolysaccharidosis, MPS-III-B. Last evaluated: 2021-10-29. Review status: criteria provided, single submitter. Criteria: Invitae Variant Classification Sherloc (09022015). Collection method: clinical testing. Allele origin: germline.
Comment: This sequence change replaces proline, which is neutral and non-polar, with leucine, which is neutral and non-polar, at codon 283 of the NAGLU protein (p.Pro283Leu). This variant is present in population databases (rs750625891, gnomAD 0.0009%). This variant has not been reported in the literature in individuals affected with NAGLU-related conditions. ClinVar contains an entry for this variant (Variation ID: 1027046). Advanced modeling of protein sequence and biophysical properties (such as structural, functional, and spatial information, amino acid conservation, physicochemical variation, residue mobility, and thermodynamic stability) performed at Invitae indicates that this missense variant is expected to disrupt NAGLU protein function. In summary, the available evidence is currently insufficient to determine the role of this variant in disease. Therefore, it has been classified as a Variant of Uncertain Significance.

NM_000263.4(NAGLU):c.848C>T (p.Pro283Leu)

Gene: NAGLU (N-acetyl-alpha-glucosaminidase; plus strand). Cytogenetic location: 17q21.2.
Variant type: single nucleotide variant.
Coding change: c.848C>T on transcript NM_000263.4 (MANE Select); coding-DNA position 848, C replaced by T.
Protein change: p.Pro283Leu; replaces proline 283 with leucine.
Molecular consequence: missense variant.
Genome position (GRCh38, 1-based): chr17:42,541,033, C>T. VCF-style: chr17-42541033-C-T. GRCh37 (hg19) VCF-style: chr17-40693051-C-T.
Other names: short protein forms P283L.
Identifiers: ClinVar variation 1027046 (VCV001027046.12), dbSNP rs750625891, ClinGen allele CA8576888.